The following is an entry in ClinVar:

NM_000170.3(GLDC):c.2212T>A (p.Cys738Ser)

Gene: GLDC (glycine decarboxylase; minus strand). Cytogenetic location: 9p24.1.
Variant type: single nucleotide variant.
Coding change: c.2212T>A on transcript NM_000170.3 (MANE Select); coding-DNA position 2212, T replaced by A.
Protein change: p.Cys738Ser; replaces cysteine 738 with serine.
Molecular consequence: missense variant.
Genome position (GRCh38, 1-based): chr9:6,554,772, A>T on the plus strand (T>A on the coding strand, the complement: GLDC is on the minus strand). VCF-style: chr9-6554772-A-T. GRCh37 (hg19) VCF-style: chr9-6554772-A-T.
Other names: short protein forms C738S.
Identifiers: ClinVar variation 967269 (VCV000967269.12), dbSNP rs375850752, ClinGen allele CA4980330.

ClinVar aggregate classification (germline): Uncertain significance. Review status: criteria provided, multiple submitters, no conflicts (2 of 4 stars). 4 submissions from 4 submitters: Uncertain significance (3). 1 of the submissions does not count toward it. Last evaluated 2024-01-01.

Conditions:
Glycine encephalopathy 1 (GCE1). Identifiers: MedGen CN376801, MONDO:0958179, OMIM 605899.
Glycine encephalopathy. Also called: Non-ketotic hyperglycinemia; Nonketotic hyperglycinemia. Identifiers: Orphanet 407, MedGen C0751748, MONDO:0011612, HP:0008288.

Allele frequency attached by ClinVar (database versions not stated): gnomAD exomes 0.00002 and below 0.00001; ExAC 0.00003; ESP Exome Variant Server 0.00008; gnomAD 0.00009 and 0.00010; TOPMed 0.00009.
gnomAD v4.1: 17 of 1,612,100 alleles (0.0011%); highest among the groups gnomAD compares: African/African-American, 0.021%; no homozygotes.

Submissions (4):

Daryl Scott Lab, Baylor College of Medicine
Classification: Uncertain significance for Glycine encephalopathy 1. Last evaluated: 2024-01-01. Review status: criteria provided, single submitter. Criteria: ACMG Guidelines, 2015. Collection method: clinical testing. Allele origin: maternal. Observed: 1 heterozygote.
Comment: PM2, PP3

GeneDx
Classification: Uncertain significance. Last evaluated: 2023-03-27. Review status: criteria provided, single submitter. Criteria: GeneDx Variant Classification Process June 2021. Collection method: clinical testing. Allele origin: germline. Affected: yes.
Comment: In silico analysis supports that this missense variant has a deleterious effect on protein structure/function; Has not been previously published as pathogenic or benign to our knowledge

Labcorp Genetics (formerly Invitae), Labcorp
Classification: Uncertain significance for Glycine encephalopathy. Last evaluated: 2022-06-07. Review status: criteria provided, single submitter. Criteria: Invitae Variant Classification Sherloc (09022015). Collection method: clinical testing. Allele origin: germline.
Comment: This sequence change replaces cysteine, which is neutral and slightly polar, with serine, which is neutral and polar, at codon 738 of the GLDC protein (p.Cys738Ser). This variant is present in population databases (rs375850752, gnomAD 0.03%). This variant has not been reported in the literature in individuals affected with GLDC-related conditions. ClinVar contains an entry for this variant (Variation ID: 967269). Algorithms developed to predict the effect of missense changes on protein structure and function are either unavailable or do not agree on the potential impact of this missense change (SIFT: "Tolerated"; PolyPhen-2: "Probably Damaging"; Align-GVGD: "Class C0"). In summary, the available evidence is currently insufficient to determine the role of this variant in disease. Therefore, it has been classified as a Variant of Uncertain Significance.

Natera, Inc.
Classification: Uncertain significance for Non-ketotic hyperglycinemia. Last evaluated: 2020-02-13. Review status: no assertion criteria provided. Collection method: clinical testing. Allele origin: germline. Not counted in ClinVar's aggregate classification.